The following is an entry in ClinVar:

ClinVar aggregate classification (germline): Conflicting classifications of pathogenicity. Review status: criteria provided, conflicting classifications (1 of 4 stars). 2 submissions from 2 submitters: Pathogenic (1); Uncertain significance (1). Last evaluated 2025-07-16.

Conditions:
Congenital myotonia, autosomal recessive form. Also called: Becker Generalized Myotonia; BECKER DISEASE; myotonia congenita, autosomal recessive. Identifiers: Orphanet 614, MedGen C0751360, MONDO:0009715, OMIM 255700.
Congenital myotonia, autosomal dominant form (THD). Also called: THOMSEN DISEASE; Myotonia congenita autosomal dominant. Identifiers: Orphanet 614, MedGen C2936781, MONDO:0008055, OMIM 160800.

Submissions (2):

Labcorp Genetics (formerly Invitae), Labcorp
Classification: Uncertain significance for Congenital myotonia, autosomal recessive form; Congenital myotonia, autosomal dominant form. Last evaluated: 2025-07-16. Review status: criteria provided, single submitter. Criteria: Invitae Variant Classification Sherloc (09022015). Collection method: clinical testing. Allele origin: germline.
Comment: This sequence change replaces isoleucine, which is neutral and non-polar, with threonine, which is neutral and polar, at codon 527 of the CLCN1 protein (p.Ile527Thr). This variant is not present in population databases (gnomAD no frequency). This missense change has been observed in individuals with autosomal recessive myotonia congenita (PMID: 22641783; internal data). ClinVar contains an entry for this variant (Variation ID: 1472436). An algorithm developed to predict the effect of missense changes on protein structure and function (PolyPhen-2) suggests that this variant is likely to be disruptive. Experimental studies have shown that this missense change affects CLCN1 function (PMID: 22641783). This variant disrupts the p.Ile527 amino acid residue in CLCN1. Other variant(s) that disrupt this residue have been observed in individuals with CLCN1-related conditions (internal data), which suggests that this may be a clinically significant amino acid residue. In summary, the available evidence is currently insufficient to determine the role of this variant in disease. Therefore, it has been classified as a Variant of Uncertain Significance.

Genomics, Clalit Research Institute, Clalit Health Care
Classification: Pathogenic for Congenital myotonia, autosomal recessive form. Last evaluated: 2024-08-06. Review status: criteria provided, single submitter. Criteria: ACMG Guidelines, 2015. Collection method: clinical testing. Allele origin: germline. Inheritance: Autosomal recessive inheritance. Affected: yes. Observed: 1 homozygote.
Comment: Inheritance: The variant was identified in the Homozygous state in the sample. Frequency: The variant is absent from the gnomAD reference population dataset. Frequency among cases: This variant has been observed in individuals with autosomal recessive myotonia congenita (PMID: 22641783). Variant site: Different amino acid change as a known pathogenic variant (p.Ile527Ser). Experimental studies: Studies have shown that this missense change affects CLCN1 function (PMID: 22641783). Prediction tools: REVEL predicts a deleterious effect on the gene or gene product (score 0.96). Clinical evidence: This variant has previously been described in ClinVar (VCV1472436) with the following classifications: VUS (1). PM2_P, PS3_P, PM5,PP3_S,PM3,PP4

Literature cited by the submitters: PubMed 22641783 (cited by Labcorp Genetics (formerly Invitae), Labcorp).

NM_000083.3(CLCN1):c.1580T>C (p.Ile527Thr)

Gene: CLCN1 (chloride voltage-gated channel 1; plus strand). Cytogenetic location: 7q34.
Variant type: single nucleotide variant.
Coding change: c.1580T>C on transcript NM_000083.3 (MANE Select); coding-DNA position 1580, T replaced by C.
Protein change: p.Ile527Thr; replaces isoleucine 527 with threonine.
Molecular consequence: missense variant. On other transcripts: non-coding transcript variant (1).
Genome position (GRCh38, 1-based): chr7:143,339,619, T>C. VCF-style: chr7-143339619-T-C. GRCh37 (hg19) VCF-style: chr7-143036712-T-C.
Other names: short protein forms I527T.
Identifiers: ClinVar variation 1472436 (VCV001472436.8), dbSNP rs1319653705, ClinGen allele CA369645980.
Genomic context (GRCh38, chr7:143,339,619, plus strand): 5'-CTGATGGTATTTTGTTTGATGACATCATCTACAAGATCCTACCTGGGGGCTATGCAGTAA[T>C]TGGTGAGAAACATTCCCACTTCCCTGTAATCAAACATTGAGTACTTCAGATCCCCACACT-3'
Protein context (NP_000074.3, residues 517-537): YKILPGGYAV[Ile527Thr]GAAALTGAVS